The following is an entry in ClinVar:

NM_001211.6(BUB1B):c.1130A>C (p.Asp377Ala)

Gene: BUB1B (BUB1 mitotic checkpoint serine/threonine kinase B; plus strand). Cytogenetic location: 15q15.1.
Variant type: single nucleotide variant.
Coding change: c.1130A>C on transcript NM_001211.6 (MANE Select); coding-DNA position 1130, A replaced by C.
Protein change: p.Asp377Ala; replaces aspartic acid 377 with alanine.
Molecular consequence: missense variant.
Genome position (GRCh38, 1-based): chr15:40,196,616, A>C. VCF-style: chr15-40196616-A-C. GRCh37 (hg19) VCF-style: chr15-40488817-A-C.
Other names: short protein forms D377A.
Identifiers: ClinVar variation 4216980 (VCV004216980.1).

ClinVar aggregate classification (germline): Uncertain significance (1 of 4 stars; one submission).

Conditions:
Inborn genetic diseases. Identifiers: MedGen C0950123, MeSH D030342.

Submission:

Ambry Genetics
Classification: Uncertain significance for Inborn genetic diseases. Last evaluated: 2025-09-12. Review status: criteria provided, single submitter. Criteria: Ambry Variant Classification Scheme 2023. Collection method: clinical testing. Allele origin: germline.
Comment: The p.D377A variant (also known as c.1130A>C), located in coding exon 9 of the BUB1B gene, results from an A to C substitution at nucleotide position 1130. The aspartic acid at codon 377 is replaced by alanine, an amino acid with dissimilar properties. This amino acid position is conserved. In addition, the in silico prediction for this alteration is inconclusive. Based on the available evidence, the clinical significance of this variant remains unclear.